The following is an entry in ClinVar:

NM_005236.3(ERCC4):c.1235G>A (p.Ser412Asn)

Gene: ERCC4 (ERCC excision repair 4, endonuclease catalytic subunit; plus strand). Cytogenetic location: 16p13.12.
Variant type: single nucleotide variant.
Coding change: c.1235G>A on transcript NM_005236.3 (MANE Select); coding-DNA position 1235, G replaced by A.
Protein change: p.Ser412Asn; replaces serine 412 with asparagine.
Molecular consequence: missense variant.
Genome position (GRCh38, 1-based): chr16:13,935,167, G>A. VCF-style: chr16-13935167-G-A. GRCh37 (hg19) VCF-style: chr16-14029024-G-A.
Other names: short protein forms S412N.
Identifiers: ClinVar variation 2923386 (VCV002923386.3), dbSNP rs2543179967, ClinGen allele CA394808886.

ClinVar aggregate classification (germline): Uncertain significance. Review status: criteria provided, multiple submitters, no conflicts (2 of 4 stars). 2 submissions from 2 submitters: Uncertain significance (2). Last evaluated 2024-09-04.

Conditions:
Cockayne syndrome. Identifiers: Orphanet 191, MedGen C0009207, MONDO:0016006.
Fanconi anemia complementation group Q. Identifiers: Orphanet 84, MedGen C3808988, MONDO:0014108, OMIM 615272.
Xeroderma pigmentosum, group F (XPF). Also called: XERODERMA PIGMENTOSUM, COMPLEMENTATION GROUP F; XERODERMA PIGMENTOSUM VI; XP, GROUP F; XERODERMA PIGMENTOSUM, TYPE F; Xeroderma pigmentosum, type 6; ERCC4-Related Xeroderma Pigmentosum. Identifiers: MedGen C0268140, MONDO:0010215, OMIM 278760.

Submissions (2):

St. Jude Molecular Pathology, St. Jude Children's Research Hospital
Classification: Uncertain significance for Xeroderma pigmentosum, group F. Last evaluated: 2024-09-04. Review status: criteria provided, single submitter. Criteria: St. Jude Assertion Criteria 2020. Collection method: clinical testing. Allele origin: germline.
Comment: The ERCC4 c.1235G>A (p.Ser412Asn) missense change is absent in gnomAD v2.1.1. The in silico tool REVEL predicts a benign effect on protein function, but this prediction has not been confirmed by functional studies. This variant has not been reported in individuals with Fanconi anemia or xeroderma pigmentosum. In summary, the evidence currently available is insufficient to determine the clinical significance of this variant. It has therefore been classified as of uncertain significance.

Labcorp Genetics (formerly Invitae), Labcorp
Classification: Uncertain significance for Fanconi anemia complementation group Q; Xeroderma pigmentosum, group F; Cockayne syndrome. Last evaluated: 2023-06-29. Review status: criteria provided, single submitter. Criteria: Invitae Variant Classification Sherloc (09022015). Collection method: clinical testing. Allele origin: germline.
Comment: In summary, the available evidence is currently insufficient to determine the role of this variant in disease. Therefore, it has been classified as a Variant of Uncertain Significance. Advanced modeling of protein sequence and biophysical properties (such as structural, functional, and spatial information, amino acid conservation, physicochemical variation, residue mobility, and thermodynamic stability) performed at Invitae indicates that this missense variant is not expected to disrupt ERCC4 protein function. This variant has not been reported in the literature in individuals affected with ERCC4-related conditions. This variant is not present in population databases (gnomAD no frequency). This sequence change replaces serine, which is neutral and polar, with asparagine, which is neutral and polar, at codon 412 of the ERCC4 protein (p.Ser412Asn).